The following is an entry in ClinVar:

NM_000069.3(CACNA1S):c.1319T>A (p.Leu440His)

Gene: CACNA1S (calcium voltage-gated channel subunit alpha1 S; minus strand). Cytogenetic location: 1q32.1.
Variant type: single nucleotide variant.
Coding change: c.1319T>A on transcript NM_000069.3 (MANE Select); coding-DNA position 1319, T replaced by A.
Protein change: p.Leu440His; replaces leucine 440 with histidine.
Molecular consequence: missense variant.
Genome position (GRCh38, 1-based): chr1:201,083,236, A>T on the plus strand (T>A on the coding strand, the complement: CACNA1S is on the minus strand). VCF-style: chr1-201083236-A-T. GRCh37 (hg19) VCF-style: chr1-201052364-A-T.
Other names: short protein forms L440H.
Identifiers: ClinVar variation 3070241 (VCV003070241.1), dbSNP rs1188903380, ClinGen allele CA344125629.

ClinVar aggregate classification (germline): Uncertain significance (1 of 4 stars; one submission).

Conditions:
Malignant hyperthermia, susceptibility to, 5 (MHS5). Also called: CACNA1S-Related Malignant Hyperthermia Susceptibility. Identifiers: Orphanet 423, MedGen C1866077, MONDO:0011163, OMIM 601887.

Allele frequency attached by ClinVar (database versions not stated): TOPMed below 0.00001; gnomAD 0.00001; gnomAD exomes 0.00001.
gnomAD v4.1: 17 of 1,614,102 alleles (0.0011%); highest among the groups gnomAD compares: Non-Finnish European, 0.0014%; no homozygotes.

Submission:

All of Us Research Program, National Institutes of Health
Classification: Uncertain significance for Malignant hyperthermia, susceptibility to, 5. Last evaluated: 2023-08-15. Review status: criteria provided, single submitter. Criteria: ACMG Guidelines, 2015. Collection method: clinical testing. Allele origin: germline. Inheritance: Autosomal dominant inheritance. Observed: 2 variant alleles, 2 heterozygotes.
Comment: This missense variant replaces leucine with histidine at codon 440 of the CACNA1S protein. Computational prediction suggests that this variant may have deleterious impact on protein structure and function (internally defined REVEL score threshold >= 0.7, PMID: 27666373). To our knowledge, functional studies have not been reported for this variant. This variant has not been reported in individuals affected with CACNA1S-related disorders in the literature. This variant has been identified in 2/251478 chromosomes in the general population by the Genome Aggregation Database (gnomAD). The available evidence is insufficient to determine the role of this variant in disease conclusively. Therefore, this variant is classified as a Variant of Uncertain Significance.

This study involves interpretation of variants in research participants for the purpose of population health screening. Participant phenotype was not available at the time of variant classification. Additional details can be found in publication PMID: 35346344, PMCID: PMC8962531